The following is an entry in ClinVar:

NM_003737.4(DCHS1):c.7736A>T (p.Gln2579Leu)

Gene: DCHS1 (dachsous cadherin-related 1; minus strand). Cytogenetic location: 11p15.4.
Variant type: single nucleotide variant.
Coding change: c.7736A>T on transcript NM_003737.4 (MANE Select); coding-DNA position 7736, A replaced by T.
Protein change: p.Gln2579Leu; replaces glutamine 2579 with leucine.
Molecular consequence: missense variant.
Genome position (GRCh38, 1-based): chr11:6,623,940, T>A on the plus strand (A>T on the coding strand, the complement: DCHS1 is on the minus strand). VCF-style: chr11-6623940-T-A. GRCh37 (hg19) VCF-style: chr11-6645171-T-A.
Other names: short protein forms Q2579L.
Identifiers: ClinVar variation 546657 (VCV000546657.43), dbSNP rs1554903356, ClinGen allele CA379482472.

ClinVar aggregate classification (germline): Uncertain significance (1 of 4 stars; one submission).

Submission:

CeGaT Center for Human Genetics Tuebingen
Classification: Uncertain significance. Last evaluated: 2023-12-01. Review status: criteria provided, single submitter. Criteria: CeGaT Center For Human Genetics Tuebingen Variant Classification Criteria Version 2. Collection method: clinical testing. Allele origin: germline. Affected: yes. Observed: 1 variant allele.
Comment: DCHS1: PM2, PM3:Supporting, BP4